The following is an entry in ClinVar:

ClinVar aggregate classification (germline): Uncertain significance. Review status: criteria provided, multiple submitters, no conflicts (2 of 4 stars). 2 submissions from 2 submitters: Uncertain significance (2). Last evaluated 2025-11-12.

Conditions:
Inborn genetic diseases. Identifiers: MedGen C0950123, MeSH D030342.
Combined oxidative phosphorylation defect type 14. Also called: Combined oxidative phosphorylation deficiency 14. Identifiers: Orphanet 319519, MedGen C4755312, MONDO:0013986, OMIM 614946.

Allele frequency attached by ClinVar (database versions not stated): gnomAD below 0.00001 and 0.00001; gnomAD exomes 0.00002 and 0.00005; ExAC 0.00006.
gnomAD v4.1: 32 of 1,600,892 alleles (0.002%); highest among the groups gnomAD compares: South Asian, 0.033%; 1 homozygote.

Submissions (2):

Labcorp Genetics (formerly Invitae), Labcorp
Classification: Uncertain significance for Combined oxidative phosphorylation defect type 14. Last evaluated: 2025-11-12. Review status: criteria provided, single submitter. Criteria: Invitae Variant Classification Sherloc (09022015). Collection method: clinical testing. Allele origin: germline.
Comment: This sequence change replaces lysine, which is basic and polar, with arginine, which is basic and polar, at codon 210 of the FARS2 protein (p.Lys210Arg). This variant is present in population databases (rs751662656, gnomAD 0.04%). This variant has not been reported in the literature in individuals affected with FARS2-related conditions. ClinVar contains an entry for this variant (Variation ID: 850224). Invitae Evidence Modeling of protein sequence and biophysical properties (such as structural, functional, and spatial information, amino acid conservation, physicochemical variation, residue mobility, and thermodynamic stability) indicates that this missense variant is not expected to disrupt FARS2 protein function with a negative predictive value of 95%. In summary, the available evidence is currently insufficient to determine the role of this variant in disease. Therefore, it has been classified as a Variant of Uncertain Significance.

Ambry Genetics
Classification: Uncertain significance for Inborn genetic diseases. Last evaluated: 2023-05-03. Review status: criteria provided, single submitter. Criteria: Ambry Variant Classification Scheme 2023. Collection method: clinical testing. Allele origin: germline.

NM_006567.5(FARS2):c.629A>G (p.Lys210Arg)

Gene: FARS2 (phenylalanyl-tRNA synthetase 2, mitochondrial; plus strand). Cytogenetic location: 6p25.1.
Variant type: single nucleotide variant.
Coding change: c.629A>G on transcript NM_006567.5 (MANE Select); coding-DNA position 629, A replaced by G.
Protein change: p.Lys210Arg; replaces lysine 210 with arginine.
Molecular consequence: missense variant. On other transcripts: 5 prime UTR variant (2).
Genome position (GRCh38, 1-based): chr6:5,404,558, A>G. VCF-style: chr6-5404558-A-G. GRCh37 (hg19) VCF-style: chr6-5404791-A-G.
Other names: c.629A>G, p.Lys210Arg (NM_001318872.2, NM_001374875.1, NM_001374876.1 and 5 more transcripts); c.-68A>G (NM_001375259.1, NM_001375260.1); short protein forms K210R.
Identifiers: ClinVar variation 850224 (VCV000850224.8), dbSNP rs751662656, ClinGen allele CA3623701.